The following is an entry in ClinVar:

NM_000742.4(CHRNA2):c.1345C>T (p.Pro449Ser)

Gene: CHRNA2 (cholinergic receptor nicotinic alpha 2 subunit; minus strand). Cytogenetic location: 8p21.2.
Variant type: single nucleotide variant.
Coding change: c.1345C>T on transcript NM_000742.4 (MANE Select); coding-DNA position 1345, C replaced by T.
Protein change: p.Pro449Ser; replaces proline 449 with serine.
Molecular consequence: missense variant.
Genome position (GRCh38, 1-based): chr8:27,463,098, G>A on the plus strand (C>T on the coding strand, the complement: CHRNA2 is on the minus strand). VCF-style: chr8-27463098-G-A. GRCh37 (hg19) VCF-style: chr8-27320615-G-A.
Other names: c.1300C>T, p.Pro434Ser (NM_001282455.2); c.868C>T, p.Pro290Ser (NM_001347705.2, NM_001347706.2); c.751C>T, p.Pro251Ser (NM_001347707.2, NM_001347708.2); short protein forms P251S, P449S, P434S, P290S.
Identifiers: ClinVar variation 2049406 (VCV002049406.4), dbSNP rs1812553662, ClinGen allele CA370808183.

ClinVar aggregate classification (germline): Uncertain significance (1 of 4 stars; one submission).

Conditions:
Familial sleep-related hypermotor epilepsy. Also called: Autosomal Dominant Sleep-Related Hypermotor (Hyperkinetic) Epilepsy. Identifiers: Orphanet 98784, MedGen C3696898, MONDO:0000030.

Allele frequency attached by ClinVar (database versions not stated): gnomAD exomes below 0.00001.

Submission:

Labcorp Genetics (formerly Invitae), Labcorp
Classification: Uncertain significance. Last evaluated: 2022-02-09. Review status: criteria provided, single submitter. Criteria: Invitae Variant Classification Sherloc (09022015). Collection method: clinical testing. Allele origin: germline.
Comment: This sequence change replaces proline, which is neutral and non-polar, with serine, which is neutral and polar, at codon 449 of the CHRNA2 protein (p.Pro449Ser). In summary, the available evidence is currently insufficient to determine the role of this variant in disease. Therefore, it has been classified as a Variant of Uncertain Significance. Advanced modeling of protein sequence and biophysical properties (such as structural, functional, and spatial information, amino acid conservation, physicochemical variation, residue mobility, and thermodynamic stability) performed at Invitae indicates that this missense variant is not expected to disrupt CHRNA2 protein function. This variant has not been reported in the literature in individuals affected with CHRNA2-related conditions. This variant is not present in population databases (gnomAD no frequency).